The following is an entry in ClinVar:

NM_001256789.3(CACNA1F):c.5153T>A (p.Ile1718Asn)

Gene: CACNA1F (calcium voltage-gated channel subunit alpha1 F; minus strand). Cytogenetic location: Xp11.23.
Variant type: single nucleotide variant.
Coding change: c.5153T>A on transcript NM_001256789.3 (MANE Select); coding-DNA position 5153, T replaced by A.
Protein change: p.Ile1718Asn; replaces isoleucine 1718 with asparagine.
Molecular consequence: missense variant.
Genome position (GRCh38, 1-based): chrX:49,207,083, A>T on the plus strand (T>A on the coding strand, the complement: CACNA1F is on the minus strand). VCF-style: chrX-49207083-A-T. GRCh37 (hg19) VCF-style: chrX-49063544-A-T.
Other names: c.4991T>A, p.Ile1664Asn (NM_001256790.3); c.5186T>A, p.Ile1729Asn (NM_005183.4); short protein forms I1664N, I1718N, I1729N.
Identifiers: ClinVar variation 4734167 (VCV004734167.1).

ClinVar aggregate classification (germline): Uncertain significance (1 of 4 stars; one submission).

Submission:

Labcorp Genetics (formerly Invitae), Labcorp
Classification: Uncertain significance. Last evaluated: 2025-12-30. Review status: criteria provided, single submitter. Criteria: Invitae Variant Classification Sherloc (09022015). Collection method: clinical testing. Allele origin: germline.
Comment: This sequence change replaces isoleucine, which is neutral and non-polar, with asparagine, which is neutral and polar, at codon 1729 of the CACNA1F protein (p.Ile1729Asn). This variant is not present in population databases (gnomAD no frequency). This variant has not been reported in the literature in individuals affected with CACNA1F-related conditions. An algorithm developed to predict the effect of missense changes on protein structure and function (PolyPhen-2) suggests that this variant is likely to be tolerated. In summary, the available evidence is currently insufficient to determine the role of this variant in disease. Therefore, it has been classified as a Variant of Uncertain Significance.